The following is an entry in ClinVar:

NM_001173990.3(TMEM216):c.40del (p.Arg14fs)

Gene: TMEM216 (transmembrane protein 216; plus strand). Cytogenetic location: 11q12.2.
Variant type: Deletion.
Coding change: c.40del on transcript NM_001173990.3 (MANE Select); coding-DNA position 40, one base deleted (C; older notation c.40delC).
Protein change: p.Arg14fs; shifts the reading frame from arginine 14.
Molecular consequence: frameshift variant. On other transcripts: 5 prime UTR variant (2).
Genome position (GRCh38, 1-based): chr11:61,393,236, C deleted. VCF-style (leftmost placement, unchanged base first): chr11-61393235-AC-A. GRCh37 (hg19) VCF-style: chr11-61160707-AC-A.
Other names: c.40del, p.Arg14fs (NM_001173991.3); c.-144del (NM_001330285.2, NM_016499.6); short protein forms R14fs.
Identifiers: ClinVar variation 4814686 (VCV004814686.1).

ClinVar aggregate classification (germline): Likely pathogenic (1 of 4 stars; one submission).

Conditions:
Joubert syndrome 2 (JBTS2). Also called: CEREBELLOOCULORENAL SYNDROME 2. Identifiers: Orphanet 2318, MedGen C1842577, MONDO:0011963, OMIM 608091.

Submission:

Natera, Inc.
Classification: Likely pathogenic for Joubert syndrome type 2. Last evaluated: 2024-09-10. Review status: criteria provided, single submitter. Criteria: Natera Variant Classification Schema (03/2026). Collection method: clinical testing. Allele origin: germline.
Comment: The c.40del variant in TMEM216 is a frameshift variant predicted to shift the reading frame beginning at codon 14 and leads to a stop codon 13 codons downstream. This variant is expected to result in nonsense mediated decay, truncation, or a dysfunctional protein product. This variant is rare in the general population with a frequency below the threshold expected for the associated phenotype(s). Given the available evidence, this variant is classified as Likely Pathogenic.